The following is an entry in ClinVar:

NM_004281.4(BAG3):c.909+4C>T

Gene: BAG3 (BAG cochaperone 3; plus strand). Cytogenetic location: 10q26.11.
Variant type: single nucleotide variant.
Coding change: c.909+4C>T on transcript NM_004281.4 (MANE Select); 4 bases into the intron after coding-DNA position 909, C replaced by T.
Molecular consequence: intron variant.
Genome position (GRCh38, 1-based): chr10:119,672,660, C>T. VCF-style: chr10-119672660-C-T. GRCh37 (hg19) VCF-style: chr10-121432172-C-T.
Identifiers: ClinVar variation 471806 (VCV000471806.14), dbSNP rs376351857, ClinGen allele CA5716435.
Genomic context (GRCh38, chr10:119,672,660, plus strand): 5'-ACGCCACTCCACTCCCCCTCGCCCATCCGTGTGCACACCGTGGTCGACAGGCCTCAGGTA[C>T]GGGAAGTTAGTCGTCAGCAGACTGGTTATGGTGGTATGTCTCCAGGGGTGCAGGAGCTCT-3'

ClinVar aggregate classification (germline): Uncertain significance. Review status: criteria provided, multiple submitters, no conflicts (2 of 4 stars). 3 submissions from 3 submitters: Uncertain significance (3). Last evaluated 2026-01-31.

Conditions:
Cardiovascular phenotype. Identifiers: MedGen CN230736.
Dilated cardiomyopathy 1HH (CMD1HH). Identifiers: Orphanet 154, MedGen C3151293, MONDO:0013479, OMIM 613881.
Myofibrillar myopathy 6. Identifiers: Orphanet 199340, MedGen C2751831, MONDO:0013061, OMIM 612954.

Allele frequency attached by ClinVar (database versions not stated): gnomAD 0.00001; gnomAD exomes 0.00001; ExAC 0.00002; ESP Exome Variant Server 0.00008.
gnomAD v4.1: 14 of 1,612,334 alleles (0.00087%); highest among the groups gnomAD compares: Admixed American, 0.0017%; no homozygotes.

Submissions (3):

Labcorp Genetics (formerly Invitae), Labcorp
Classification: Uncertain significance for Dilated cardiomyopathy 1HH; Myofibrillar myopathy 6. Last evaluated: 2026-01-31. Review status: criteria provided, single submitter. Criteria: Invitae Variant Classification Sherloc (09022015). Collection method: clinical testing. Allele origin: germline.
Comment: This sequence change falls in intron 3 of the BAG3 gene. It does not directly change the encoded amino acid sequence of the BAG3 protein. It affects a nucleotide within the consensus splice site. This variant is present in population databases (rs376351857, gnomAD 0.003%). This variant has not been reported in the literature in individuals affected with BAG3-related conditions. ClinVar contains an entry for this variant (Variation ID: 471806). Variants that disrupt the consensus splice site are a relatively common cause of aberrant splicing (PMID: 17576681, 9536098). Algorithms developed to predict the effect of sequence changes on RNA splicing suggest that this variant is not likely to affect RNA splicing. In summary, the available evidence is currently insufficient to determine the role of this variant in disease. Therefore, it has been classified as a Variant of Uncertain Significance.

Ambry Genetics
Classification: Uncertain significance for Cardiovascular phenotype. Last evaluated: 2025-11-03. Review status: criteria provided, single submitter. Criteria: Ambry Variant Classification Scheme 2023. Collection method: clinical testing. Allele origin: germline.
Comment: The c.909+4C>T intronic variant results from a C to T substitution 4 nucleotides after coding exon 3 in the BAG3 gene. This nucleotide position is poorly conserved in available vertebrate species. In silico splice site analysis predicts that this alteration will not have any significant effect on splicing. Based on the available evidence, the clinical significance of this variant remains unclear.

Fulgent Genetics
Classification: Uncertain significance for Myofibrillar myopathy 6; Dilated cardiomyopathy 1HH. Last evaluated: 2021-08-20. Review status: criteria provided, single submitter. Criteria: ACMG Guidelines, 2015. Collection method: clinical testing. Allele origin: unknown.

Literature cited by the submitters: PubMed 17576681 (cited by Labcorp Genetics (formerly Invitae), Labcorp); PubMed 9536098 (cited by Labcorp Genetics (formerly Invitae), Labcorp).